The following is an entry in ClinVar:

ClinVar aggregate classification (germline): Uncertain significance. Review status: criteria provided, multiple submitters, no conflicts (2 of 4 stars). 2 submissions from 2 submitters: Uncertain significance (2). Last evaluated 2024-10-24.

Allele frequency attached by ClinVar (database versions not stated): TOPMed 0.00002; gnomAD 0.00001; ExAC 0.00002; gnomAD exomes 0.00001 and 0.00003.
gnomAD v4.1: 22 of 1,614,042 alleles (0.0014%); highest among the groups gnomAD compares: Non-Finnish European, 0.00034%; no homozygotes.

Submissions (2):

Labcorp Genetics (formerly Invitae), Labcorp
Classification: Uncertain significance. Last evaluated: 2024-10-24. Review status: criteria provided, single submitter. Criteria: Invitae Variant Classification Sherloc (09022015). Collection method: clinical testing. Allele origin: germline.
Comment: This sequence change replaces glutamic acid, which is acidic and polar, with aspartic acid, which is acidic and polar, at codon 282 of the SLC45A2 protein (p.Glu282Asp). This variant is present in population databases (rs757423251, gnomAD 0.05%). This variant has not been reported in the literature in individuals affected with SLC45A2-related conditions. ClinVar contains an entry for this variant (Variation ID: 1496205). An algorithm developed to predict the effect of missense changes on protein structure and function (PolyPhen-2) suggests that this variant is likely to be disruptive. In summary, the available evidence is currently insufficient to determine the role of this variant in disease. Therefore, it has been classified as a Variant of Uncertain Significance.

Blueprint Genetics
Classification: Uncertain significance. Last evaluated: 2023-12-05. Review status: criteria provided, single submitter. Criteria: ACMG Guidelines, 2015. Collection method: clinical testing. Allele origin: germline.

NM_016180.5(SLC45A2):c.846G>C (p.Glu282Asp)

Gene: SLC45A2 (solute carrier family 45 member 2; minus strand). Cytogenetic location: 5p13.2.
Variant type: single nucleotide variant.
Coding change: c.846G>C on transcript NM_016180.5 (MANE Select); coding-DNA position 846, G replaced by C.
Protein change: p.Glu282Asp; replaces glutamic acid 282 with aspartic acid.
Molecular consequence: missense variant. On other transcripts: intron variant (1).
Genome position (GRCh38, 1-based): chr5:33,963,733, C>G on the plus strand (G>C on the coding strand, the complement: SLC45A2 is on the minus strand). VCF-style: chr5-33963733-C-G. GRCh37 (hg19) VCF-style: chr5-33963838-C-G.
Other names: c.846G>C, p.Glu282Asp (NM_001012509.4); c.563-9229G>C (NM_001297417.4); short protein forms E282D.
Identifiers: ClinVar variation 1496205 (VCV001496205.8), dbSNP rs757423251, ClinGen allele CA3225685.